The following is an entry in ClinVar:

ClinVar aggregate classification (germline): Conflicting classifications of pathogenicity. Review status: criteria provided, conflicting classifications (1 of 4 stars). 6 submissions from 6 submitters: Uncertain significance (2); Likely benign (4). Last evaluated 2026-05-01.

Conditions:
Kidney failure. Identifiers: MedGen C0035078, MONDO:0001106.
Joubert syndrome. Also called: JOUBERT-BOLTSHAUSER SYNDROME; Familial aplasia of the vermis. Identifiers: Orphanet 475, MedGen C5979921, MONDO:0018772.
Meckel-Gruber syndrome. Also called: DYSENCEPHALIA SPLANCHNOCYSTICA; GRUBER SYNDROME; Dysencephalia splachnocystica. Identifiers: Orphanet 564, MedGen C0265215, MONDO:0018921.

Allele frequency attached by ClinVar (database versions not stated): gnomAD 0.00006 and 0.00007; gnomAD exomes 0.00006 and 0.00011; TOPMed 0.00010; ExAC 0.00012; ESP Exome Variant Server 0.00023.
gnomAD v4.1: 138 of 1,614,084 alleles (0.0085%); highest among the groups gnomAD compares: Middle Eastern, 0.066%; no homozygotes.

Submissions (6):

CeGaT Center for Human Genetics Tuebingen
Classification: Likely benign. Last evaluated: 2026-05-01. Review status: criteria provided, single submitter. Criteria: CeGaT Center For Human Genetics Tuebingen Variant Classification Criteria Version 2. Collection method: clinical testing. Allele origin: germline. Affected: yes. Observed: 3 variant alleles.
Comment: TMEM67: BP4, BP7

Labcorp Genetics (formerly Invitae), Labcorp
Classification: Likely benign for Joubert syndrome; Meckel-Gruber syndrome. Last evaluated: 2026-01-27. Review status: criteria provided, single submitter. Criteria: Invitae Variant Classification Sherloc (09022015). Collection method: clinical testing. Allele origin: germline.

Women's Health and Genetics/Laboratory Corporation of America, LabCorp
Classification: Uncertain significance. Last evaluated: 2024-12-16. Review status: criteria provided, single submitter. Criteria: LabCorp Variant Classification Summary - May 2015. Collection method: clinical testing. Allele origin: germline.
Comment: Variant summary: TMEM67 c.717A>G (p.Val239Val) alters a non-conserved nucleotide located close to a canonical splice site and therefore could affect mRNA splicing, leading to a significantly altered protein sequence. Consensus agreement among computation tools predict no significant impact on normal splicing. However, these predictions have yet to be confirmed by functional studies. The variant allele was found at a frequency of 0.00011 in 251196 control chromosomes. This frequency is not significantly higher than estimated for a pathogenic variant in TMEM67 causing Joubert Syndrome 6 (0.00011 vs 0.004), allowing no conclusion about variant significance. To our knowledge, no occurrence of c.717A>G in individuals affected with Joubert Syndrome 6 and no experimental evidence demonstrating its impact on protein function have been reported. ClinVar contains an entry for this variant (Variation ID: 262755). Based on the evidence outlined above, the variant was classified as uncertain significance.

Blueprint Genetics
Classification: Likely benign. Last evaluated: 2024-06-27. Review status: criteria provided, single submitter. Criteria: ACMG Guidelines, 2015. Collection method: clinical testing. Allele origin: germline.

Cambridge Genomics Laboratory, East Genomic Laboratory Hub, NHS Genomic Medicine Service
Classification: Uncertain significance for Kidney failure. Last evaluated: 2020-04-22. Review status: criteria provided, single submitter. Criteria: ACGS Best Practice Guidelines for Variant Classification in Rare Disease 2020. Collection method: clinical testing. Allele origin: germline. Affected: yes. Observed: 1 variant allele.

PreventionGenetics, part of Exact Sciences
Classification: Likely benign. Review status: criteria provided, single submitter. Criteria: ACMG Guidelines, 2015. Collection method: clinical testing. Allele origin: germline.

NM_153704.6(TMEM67):c.717A>G (p.Val239=)

Gene: TMEM67 (transmembrane protein 67; plus strand). Cytogenetic location: 8q22.1.
Variant type: single nucleotide variant.
Coding change: c.717A>G on transcript NM_153704.6 (MANE Select); coding-DNA position 717, A replaced by G.
Protein change: p.Val239=; no amino-acid change (valine 239 retained).
Molecular consequence: synonymous variant. On other transcripts: non-coding transcript variant (1).
Genome position (GRCh38, 1-based): chr8:93,780,595, A>G. VCF-style: chr8-93780595-A-G. GRCh37 (hg19) VCF-style: chr8-94792823-A-G.
Other names: c.474A>G, p.Val158= (NM_001142301.1).
Identifiers: ClinVar variation 262755 (VCV000262755.57), dbSNP rs111991507, ClinGen allele CA4807762.